The following is an entry in ClinVar:

ClinVar aggregate classification (germline): Uncertain significance. Review status: criteria provided, single submitter (1 of 4 stars). 2 submissions from 2 submitters: Uncertain significance (1). 1 of the submissions does not count toward it. Last evaluated 2021-06-08.

Conditions:
Cardiomyopathy (CMYO). Also called: Cardiomyopathies. Identifiers: Orphanet 167848, MedGen C0878544, MONDO:0004994, HP:0001638. Inheritance: Various modes of inheritance.
TTN-related disorder. Also called: TTN-related condition; TTN-related disease; TTN-related disorders.

Allele frequency attached by ClinVar (database versions not stated): gnomAD exomes 0.00001; ExAC 0.00002.
gnomAD v4.1: 9 of 1,613,410 alleles (0.00056%); highest among the groups gnomAD compares: Non-Finnish European, 0.00076%; no homozygotes.

Submissions (2):

CHEO Genetics Diagnostic Laboratory, Children's Hospital of Eastern Ontario
Classification: Uncertain significance for Cardiomyopathy. Last evaluated: 2021-06-08. Review status: criteria provided, single submitter. Criteria: ACMG Guidelines, 2015. Collection method: clinical testing. Allele origin: germline.

PreventionGenetics, part of Exact Sciences
Classification: Uncertain significance for TTN-related condition. Last evaluated: 2024-08-14. Review status: no assertion criteria provided. Collection method: clinical testing. Allele origin: germline. Not counted in ClinVar's aggregate classification.
Comment: The TTN c.75143T>C variant is predicted to result in the amino acid substitution p.Leu25048Ser. To our knowledge, this variant has not been reported in the literature. This variant is reported in 0.0018% of alleles in individuals of European (Non-Finnish) descent in gnomAD. At this time, the clinical significance of this variant is uncertain due to the absence of conclusive functional and genetic evidence.

NM_001267550.2(TTN):c.75143T>C (p.Leu25048Ser)

Genes: TTN (titin; minus strand), TTN-AS1 (TTN antisense RNA 1; plus strand). Cytogenetic location: 2q31.2.
Variant type: single nucleotide variant.
Coding change: c.75143T>C on transcript NM_001267550.2 (MANE Select); coding-DNA position 75143, T replaced by C.
Protein change: p.Leu25048Ser; replaces leucine 25048 with serine.
Molecular consequence: missense variant.
Genome position (GRCh38, 1-based): chr2:178,570,989, A>G on the plus strand (T>C on the coding strand, the complement: TTN is on the minus strand). VCF-style: chr2-178570989-A-G. GRCh37 (hg19) VCF-style: chr2-179435716-A-G.
Other names: c.70220T>C, p.Leu23407Ser (NM_001256850.1); c.47948T>C, p.Leu15983Ser (NM_003319.4); c.67439T>C, p.Leu22480Ser (NM_133378.4); c.48323T>C, p.Leu16108Ser (NM_133432.3); c.48524T>C, p.Leu16175Ser (NM_133437.4); short protein forms L15983S, L16108S, L16175S, L22480S, L23407S, L25048S.
Identifiers: ClinVar variation 2442902 (VCV002442902.3), dbSNP rs774327169, ClinGen allele CA1990095.